The following is an entry in ClinVar:

NM_003872.3(NRP2):c.2425+9496C>T

Gene: NRP2 (neuropilin 2; plus strand). Cytogenetic location: 2q33.3.
Variant type: single nucleotide variant.
Coding change: c.2425+9496C>T on transcript NM_003872.3 (MANE Select); 9496 bases into the intron after coding-DNA position 2425, C replaced by T.
Molecular consequence: intron variant. On other transcripts: missense variant (2).
Genome position (GRCh38, 1-based): chr2:205,776,299, C>T. VCF-style: chr2-205776299-C-T. GRCh37 (hg19) VCF-style: chr2-206641023-C-T.
Other names: c.2494C>T, p.Pro832Ser (NM_018534.4); c.2479C>T, p.Pro827Ser (NM_201267.2); c.2440+9481C>T (NM_201266.2); c.2425+9496C>T (NM_201279.2); short protein forms P832S, P827S.
Identifiers: ClinVar variation 5001849 (VCV005001849.1).

ClinVar aggregate classification (germline): Uncertain significance (1 of 4 stars; one submission).

Conditions:
NRP2-related disorder. Also called: NRP2-related condition.

Submission:

PreventionGenetics, part of Exact Sciences
Classification: Uncertain significance for NRP2-related condition. Last evaluated: 2025-06-05. Review status: criteria provided, single submitter. Criteria: ACMG Guidelines, 2015. Collection method: clinical testing. Allele origin: germline.
Comment: The NRP2 c.2494C>T variant is predicted to result in the amino acid substitution p.Pro832Ser. To our knowledge, this variant has not been reported in the literature or in a large population database (gnomAD), indicating this variant is rare. At this time, the clinical significance of this variant is uncertain due to the absence of conclusive functional and genetic evidence.